The following is an entry in ClinVar:

NM_012199.5(AGO1):c.2495G>C (p.Ser832Thr)

Gene: AGO1 (argonaute RISC component 1; plus strand). Cytogenetic location: 1p34.3.
Variant type: single nucleotide variant.
Coding change: c.2495G>C on transcript NM_012199.5 (MANE Select); coding-DNA position 2495, G replaced by C.
Protein change: p.Ser832Thr; replaces serine 832 with threonine.
Molecular consequence: missense variant.
Genome position (GRCh38, 1-based): chr1:35,919,528, G>C. VCF-style: chr1-35919528-G-C. GRCh37 (hg19) VCF-style: chr1-36385129-G-C.
Other names: c.2495G>C, p.Ser832Thr (NM_001317122.2); c.2270G>C, p.Ser757Thr (NM_001317123.2); c.2495G>C (NM_012199.2); short protein forms S757T, S832T.
Identifiers: ClinVar variation 3252129 (VCV003252129.2), dbSNP rs772641687.

ClinVar aggregate classification (germline): Uncertain significance. Review status: criteria provided, multiple submitters, no conflicts (2 of 4 stars). 2 submissions from 2 submitters: Uncertain significance (2). Last evaluated 2026-06-22.

Conditions:
Inborn genetic diseases. Identifiers: MedGen C0950123, MeSH D030342.

Allele frequency attached by ClinVar (database versions not stated): ExAC 0.00001.
gnomAD v4.1: 1 of 1,614,108 alleles (0.000062%); highest among the groups gnomAD compares: Admixed American, 0.0017%; no homozygotes.

Submissions (2):

Ambry Genetics
Classification: Uncertain significance for Inborn genetic diseases. Last evaluated: 2026-06-22. Review status: criteria provided, single submitter. Criteria: Ambry Variant Classification Scheme 2023. Collection method: clinical testing. Allele origin: germline.
Comment: The c.2495G>C (p.S832T) alteration is located in exon 19 (coding exon 19) of the AGO1 gene. This alteration results from a G to C substitution at nucleotide position 2495, causing the serine (S) at amino acid position 832 to be replaced by a threonine (T). Based on data from gnomAD, the C allele has an overall frequency of <0.001% (1/250624) total alleles studied. The highest observed frequency was 0.003% (1/34554) of Latino alleles. Based on insufficient or conflicting evidence, the clinical significance of this alteration remains unclear.

GeneDx
Classification: Uncertain significance. Last evaluated: 2023-12-05. Review status: criteria provided, single submitter. Criteria: GeneDx Variant Classification Process June 2021. Collection method: clinical testing. Allele origin: germline. Affected: yes.
Comment: Not observed at significant frequency in large population cohorts (gnomAD); In silico analysis supports that this missense variant does not alter protein structure/function; Has not been previously published as pathogenic or benign to our knowledge